The following is an entry in ClinVar:

ClinVar aggregate classification (germline): Likely benign. Review status: criteria provided, multiple submitters, no conflicts (2 of 4 stars). 5 submissions from 5 submitters: Likely benign (5). Last evaluated 2026-01-20.

Conditions:
Duchenne muscular dystrophy (DMD). Also called: MUSCULAR DYSTROPHY, PSEUDOHYPERTROPHIC PROGRESSIVE, DUCHENNE TYPE; Duchenne Muscular Dystrophy (DMD). Identifiers: Orphanet 98896, MedGen C0013264, MONDO:0010679, OMIM 310200.
Cardiovascular phenotype. Identifiers: MedGen CN230736.

Allele frequency attached by ClinVar (database versions not stated): gnomAD 0.00001 and 0.00002; gnomAD exomes 0.00002; TOPMed 0.00002; ExAC 0.00003; ESP Exome Variant Server 0.00009; 1000 Genomes Project 30x 0.00021; 1000 Genomes Project 0.00026.
gnomAD v4.1: 23 of 1,208,886 alleles (0.0019%); highest among the groups gnomAD compares: African/African-American, 0.0052%; no homozygotes.

Submissions (5):

Labcorp Genetics (formerly Invitae), Labcorp
Classification: Likely benign for Duchenne muscular dystrophy. Last evaluated: 2026-01-20. Review status: criteria provided, single submitter. Criteria: Invitae Variant Classification Sherloc (09022015). Collection method: clinical testing. Allele origin: germline.

Blueprint Genetics
Classification: Likely benign. Last evaluated: 2024-09-06. Review status: criteria provided, single submitter. Criteria: ACMG Guidelines, 2015. Collection method: clinical testing. Allele origin: germline.

CeGaT Center for Human Genetics Tuebingen
Classification: Likely benign. Last evaluated: 2022-10-01. Review status: criteria provided, single submitter. Criteria: CeGaT Center For Human Genetics Tuebingen Variant Classification Criteria Version 2. Collection method: clinical testing. Allele origin: germline. Affected: yes. Observed: 1 variant allele.
Comment: DMD: BP4, BP7

Ambry Genetics
Classification: Likely benign for Cardiovascular phenotype. Last evaluated: 2022-04-29. Review status: criteria provided, single submitter. Criteria: Ambry Variant Classification Scheme 2023. Collection method: clinical testing. Allele origin: germline.

GeneDx
Classification: Likely benign. Last evaluated: 2020-02-18. Review status: criteria provided, single submitter. Criteria: GeneDx Variant Classification Process June 2021. Collection method: clinical testing. Allele origin: germline. Affected: yes.

NM_004006.3(DMD):c.3999C>T (p.Gly1333=)

Gene: DMD (dystrophin; minus strand). Cytogenetic location: Xp21.1.
Variant type: single nucleotide variant.
Coding change: c.3999C>T on transcript NM_004006.3 (MANE Select); coding-DNA position 3999, C replaced by T.
Protein change: p.Gly1333=; no amino-acid change (glycine 1333 retained).
Molecular consequence: synonymous variant.
Genome position (GRCh38, 1-based): chrX:32,438,313, G>A on the plus strand (C>T on the coding strand, the complement: DMD is on the minus strand). VCF-style: chrX-32438313-G-A. GRCh37 (hg19) VCF-style: chrX-32456430-G-A.
Other names: c.3975C>T, p.Gly1325= (NM_000109.4); c.3987C>T, p.Gly1329= (NM_004009.3); c.3630C>T, p.Gly1210= (NM_004010.3).
Identifiers: ClinVar variation 1083422 (VCV001083422.39), dbSNP rs140759792, ClinGen allele CA10379135.
Genomic context (GRCh38, chrX:32,438,313, plus strand): 5'-TTCCCTCCAACGAGAATTAAATGTCTCAAGTTCCTCATTGATTAGCTCATCCATGACTCC[G>A]CCATCTGTTAGGGTCTGTGCCAATATGCGAATCTGATTTGGGTTATCCTCTGAATGTCGC-3'
Protein context (NP_003997.2, residues 1323-1343): IRILAQTLTD[Gly1333=]GVMDELINEE